The following is an entry in ClinVar:

NM_031935.3(HMCN1):c.14026G>T (p.Ala4676Ser)

Gene: HMCN1 (hemicentin 1; plus strand). Cytogenetic location: 1q31.1.
Variant type: single nucleotide variant.
Coding change: c.14026G>T on transcript NM_031935.3 (MANE Select); coding-DNA position 14026, G replaced by T.
Protein change: p.Ala4676Ser; replaces alanine 4676 with serine.
Molecular consequence: missense variant.
Genome position (GRCh38, 1-based): chr1:186,144,274, G>T. VCF-style: chr1-186144274-G-T. GRCh37 (hg19) VCF-style: chr1-186113406-G-T.
Other names: short protein forms A4676S.
Identifiers: ClinVar variation 1992162 (VCV001992162.4), dbSNP rs2528121476, ClinGen allele CA343914627.
Genomic context (GRCh38, chr1:186,144,274, plus strand): 5'-AGCGAAAGTTGTGGGAAAGGTACTCAGACAAGAGCAAGACTTTGTAATAACCCACCACCA[G>T]CGTTTGGTGGGTCCTACTGTGATGGAGCAGAAACACAGATGCAAGTTTGCAATGAAAGAA-3'
Protein context (NP_114141.2, residues 4666-4686): RARLCNNPPP[Ala4676Ser]FGGSYCDGAE

ClinVar aggregate classification (germline): Uncertain significance (1 of 4 stars; one submission).

Submission:

Labcorp Genetics (formerly Invitae), Labcorp
Classification: Uncertain significance. Last evaluated: 2025-03-17. Review status: criteria provided, single submitter. Criteria: Invitae Variant Classification Sherloc (09022015). Collection method: clinical testing. Allele origin: germline.
Comment: This sequence change replaces alanine, which is neutral and non-polar, with serine, which is neutral and polar, at codon 4676 of the HMCN1 protein (p.Ala4676Ser). This variant is not present in population databases (gnomAD no frequency). This variant has not been reported in the literature in individuals affected with HMCN1-related conditions. ClinVar contains an entry for this variant (Variation ID: 1992162). An algorithm developed to predict the effect of missense changes on protein structure and function outputs the following: PolyPhen-2: "Benign". The serine amino acid residue is found in multiple mammalian species, which suggests that this missense change does not adversely affect protein function. In summary, the available evidence is currently insufficient to determine the role of this variant in disease. Therefore, it has been classified as a Variant of Uncertain Significance.